The following is an entry in ClinVar:

NM_018159.4(NUDT11):c.81C>T (p.Ser27=)

Gene: NUDT11 (nudix hydrolase 11; minus strand). Cytogenetic location: Xp11.22.
Variant type: single nucleotide variant.
Coding change: c.81C>T on transcript NM_018159.4 (MANE Select); coding-DNA position 81, C replaced by T.
Protein change: p.Ser27=; no amino-acid change (serine 27 retained).
Molecular consequence: synonymous variant.
Genome position (GRCh38, 1-based): chrX:51,496,364, G>A on the plus strand (C>T on the coding strand, the complement: NUDT11 is on the minus strand). VCF-style: chrX-51496364-G-A. GRCh37 (hg19) VCF-style: chrX-51239216-G-A.
Identifiers: ClinVar variation 2660568 (VCV002660568.24), dbSNP rs200589562, ClinGen allele CA10417174.

ClinVar aggregate classification (germline): Likely benign (1 of 4 stars; one submission).

Allele frequency attached by ClinVar (database versions not stated): ESP Exome Variant Server 0.00009; gnomAD 0.00018; TOPMed 0.00023; gnomAD exomes 0.00038; ExAC 0.00039.
gnomAD v4.1: 424 of 1,206,779 alleles (0.035%); highest among the groups gnomAD compares: Non-Finnish European, 0.044%; no homozygotes.

Submission:

CeGaT Center for Human Genetics Tuebingen
Classification: Likely benign. Last evaluated: 2022-11-01. Review status: criteria provided, single submitter. Criteria: CeGaT Center For Human Genetics Tuebingen Variant Classification Criteria Version 2. Collection method: clinical testing. Allele origin: germline. Affected: yes. Observed: 1 variant allele.
Comment: NUDT11: BP4, BP7, BS2